The following is an entry in ClinVar:

NM_002863.5(PYGL):c.211A>C (p.Thr71Pro)

Gene: PYGL (glycogen phosphorylase L; minus strand). Cytogenetic location: 14q22.1.
Variant type: single nucleotide variant.
Coding change: c.211A>C on transcript NM_002863.5 (MANE Select); coding-DNA position 211, A replaced by C.
Protein change: p.Thr71Pro; replaces threonine 71 with proline.
Molecular consequence: missense variant.
Genome position (GRCh38, 1-based): chr14:50,944,193, T>G on the plus strand (A>C on the coding strand, the complement: PYGL is on the minus strand). VCF-style: chr14-50944193-T-G. GRCh37 (hg19) VCF-style: chr14-51410911-T-G.
Other names: c.211A>C, p.Thr71Pro (NM_001163940.2); short protein forms T71P.
Identifiers: ClinVar variation 1976023 (VCV001976023.5), dbSNP rs2050728663, ClinGen allele CA389699206.

ClinVar aggregate classification (germline): Uncertain significance (1 of 4 stars; one submission).

Conditions:
Glycogen storage disease, type VI (GSD6). Also called: Glycogen storage disease type 6, due to phosphorylation; Glycogen storage disease type 6; Hepatic glycogen phosphorylase deficiency; GSD VI; HERS DISEASE; PHOSPHORYLASE DEFICIENCY GLYCOGEN-STORAGE DISEASE OF LIVER. Identifiers: Orphanet 369, MedGen C0017925, MONDO:0009294, OMIM 232700.

Allele frequency attached by ClinVar (database versions not stated): gnomAD exomes below 0.00001; TOPMed below 0.00001.
gnomAD v4.1: 3 of 1,610,304 alleles (0.00019%); highest among the groups gnomAD compares: Non-Finnish European, 0.00025%; no homozygotes.

Submission:

Labcorp Genetics (formerly Invitae), Labcorp
Classification: Uncertain significance for Glycogen storage disease, type VI. Last evaluated: 2022-09-23. Review status: criteria provided, single submitter. Criteria: Invitae Variant Classification Sherloc (09022015). Collection method: clinical testing. Allele origin: germline.
Comment: This variant is not present in population databases (gnomAD no frequency). This sequence change replaces threonine, which is neutral and polar, with proline, which is neutral and non-polar, at codon 71 of the PYGL protein (p.Thr71Pro). In summary, the available evidence is currently insufficient to determine the role of this variant in disease. Therefore, it has been classified as a Variant of Uncertain Significance. Advanced modeling of protein sequence and biophysical properties (such as structural, functional, and spatial information, amino acid conservation, physicochemical variation, residue mobility, and thermodynamic stability) performed at Invitae indicates that this missense variant is expected to disrupt PYGL protein function. This variant has not been reported in the literature in individuals affected with PYGL-related conditions.